The following is an entry in ClinVar:

NM_002742.3(PRKD1):c.2195G>A (p.Arg732Gln)

Gene: PRKD1 (protein kinase D1; minus strand). Cytogenetic location: 14q12.
Variant type: single nucleotide variant.
Coding change: c.2195G>A on transcript NM_002742.3 (MANE Select); coding-DNA position 2195, G replaced by A.
Protein change: p.Arg732Gln; replaces arginine 732 with glutamine.
Molecular consequence: missense variant.
Genome position (GRCh38, 1-based): chr14:29,597,730, C>T on the plus strand (G>A on the coding strand, the complement: PRKD1 is on the minus strand). VCF-style: chr14-29597730-C-T. GRCh37 (hg19) VCF-style: chr14-30066936-C-T.
Other names: c.2219G>A, p.Arg740Gln (NM_001330069.2); c.1931G>A, p.Arg644Gln (NM_001348390.1); short protein forms R644Q, R732Q, R740Q.
Identifiers: ClinVar variation 2644147 (VCV002644147.24), dbSNP rs749621467, ClinGen allele CA7140941.

ClinVar aggregate classification (germline): Uncertain significance (1 of 4 stars; one submission).

Allele frequency attached by ClinVar (database versions not stated): ExAC 0.00001; gnomAD exomes 0.00001; TOPMed 0.00001.
gnomAD v4.1: 13 of 1,611,658 alleles (0.00081%); highest among the groups gnomAD compares: East Asian, 0.0022%; no homozygotes.

Submission:

CeGaT Center for Human Genetics Tuebingen
Classification: Uncertain significance. Last evaluated: 2022-10-01. Review status: criteria provided, single submitter. Criteria: CeGaT Center For Human Genetics Tuebingen Variant Classification Criteria Version 2. Collection method: clinical testing. Allele origin: germline. Affected: yes. Observed: 1 variant allele.
Comment: PRKD1: PP3